The following is an entry in ClinVar:

ClinVar aggregate classification (germline): Uncertain significance (1 of 4 stars; one submission).

Conditions:
Developmental and epileptic encephalopathy. Identifiers: MedGen C5779964, MONDO:0100620.

Allele frequency attached by ClinVar (database versions not stated): gnomAD exomes below 0.00001; ExAC 0.00001.

Submission:

Labcorp Genetics (formerly Invitae), Labcorp
Classification: Uncertain significance for Early infantile epileptic encephalopathy with suppression bursts. Last evaluated: 2019-05-01. Review status: criteria provided, single submitter. Criteria: Invitae Variant Classification Sherloc (09022015). Collection method: clinical testing. Allele origin: germline.
Comment: This sequence change falls in intron 5 of the SLC25A22 gene. It does not directly change the encoded amino acid sequence of the SLC25A22 protein, but it affects a nucleotide within the consensus splice site of the intron. This variant is present in population databases (rs771032620, ExAC 0.006%). This variant has not been reported in the literature in individuals with SLC25A22-related conditions. Nucleotide substitutions within the consensus splice site are a relatively common cause of aberrant splicing (PMID: 17576681, 9536098). Algorithms developed to predict the effect of sequence changes on RNA splicing suggest that this variant is not likely to affect RNA splicing, but this prediction has not been confirmed by published transcriptional studies. In summary, the available evidence is currently insufficient to determine the role of this variant in disease. Therefore, it has been classified as a Variant of Uncertain Significance.

NM_001191061.2(SLC25A22):c.293+3G>A

Gene: SLC25A22 (solute carrier family 25 member 22; minus strand). Cytogenetic location: 11p15.5.
Variant type: single nucleotide variant.
Coding change: c.293+3G>A on transcript NM_001191061.2 (MANE Select); 3 bases into the intron after coding-DNA position 293, G replaced by A.
Molecular consequence: intron variant.
Genome position (GRCh38, 1-based): chr11:793,526, C>T on the plus strand (G>A on the coding strand, the complement: SLC25A22 is on the minus strand). VCF-style: chr11-793526-C-T. GRCh37 (hg19) VCF-style: chr11-793526-C-T.
Other names: c.293+3G>A (NM_001191060.2, NM_024698.6).
Identifiers: ClinVar variation 850119 (VCV000850119.2), dbSNP rs771032620, ClinGen allele CA5789267.